The following is an entry in ClinVar:

NM_000587.4(C7):c.184C>G (p.Pro62Ala)

Gene: C7 (complement C7; plus strand). Cytogenetic location: 5p13.1.
Variant type: single nucleotide variant.
Coding change: c.184C>G on transcript NM_000587.4 (MANE Select); coding-DNA position 184, C replaced by G.
Protein change: p.Pro62Ala; replaces proline 62 with alanine.
Molecular consequence: missense variant.
Genome position (GRCh38, 1-based): chr5:40,934,370, C>G. VCF-style: chr5-40934370-C-G. GRCh37 (hg19) VCF-style: chr5-40934472-C-G.
Other names: short protein forms P62A.
Identifiers: ClinVar variation 1363993 (VCV001363993.8), dbSNP rs2111590828, ClinGen allele CA359589010.

ClinVar aggregate classification (germline): Uncertain significance (1 of 4 stars; one submission).

Allele frequency attached by ClinVar (database versions not stated): gnomAD exomes below 0.00001.
gnomAD v4.1: 1 of 1,613,520 alleles (0.000062%); highest among the groups gnomAD compares: South Asian, 0.0011%; no homozygotes.

Submission:

Labcorp Genetics (formerly Invitae), Labcorp
Classification: Uncertain significance. Last evaluated: 2021-06-25. Review status: criteria provided, single submitter. Criteria: Invitae Variant Classification Sherloc (09022015). Collection method: clinical testing. Allele origin: germline.
Comment: This variant is not present in population databases (ExAC no frequency). In summary, the available evidence is currently insufficient to determine the role of this variant in disease. Therefore, it has been classified as a Variant of Uncertain Significance. Algorithms developed to predict the effect of missense changes on protein structure and function output the following: SIFT: "Tolerated"; PolyPhen-2: "Benign"; Align-GVGD: "Class C0". The alanine amino acid residue is found in multiple mammalian species, suggesting that this missense change does not adversely affect protein function. These predictions have not been confirmed by published functional studies and their clinical significance is uncertain. This variant has not been reported in the literature in individuals with C7-related conditions. This sequence change replaces proline with alanine at codon 62 of the C7 protein (p.Pro62Ala). The proline residue is moderately conserved and there is a small physicochemical difference between proline and alanine.